The following is an entry in ClinVar:

NM_000183.3(HADHB):c.362T>C (p.Leu121Pro)

Gene: HADHB (hydroxyacyl-CoA dehydrogenase trifunctional multienzyme complex subunit beta; plus strand). Cytogenetic location: 2p23.3.
Variant type: single nucleotide variant.
Coding change: c.362T>C on transcript NM_000183.3 (MANE Select); coding-DNA position 362, T replaced by C.
Protein change: p.Leu121Pro; replaces leucine 121 with proline.
Molecular consequence: missense variant.
Genome position (GRCh38, 1-based): chr2:26,277,080, T>C. VCF-style: chr2-26277080-T-C. GRCh37 (hg19) VCF-style: chr2-26499948-T-C.
Other names: c.317T>C, p.Leu106Pro (NM_001281512.2); c.296T>C, p.Leu99Pro (NM_001281513.2); short protein forms L121P, L99P, L106P.
Identifiers: ClinVar variation 567723 (VCV000567723.12), dbSNP rs773127211, ClinGen allele CA1560200.

ClinVar aggregate classification (germline): Conflicting classifications of pathogenicity. Review status: criteria provided, conflicting classifications (1 of 4 stars). 4 submissions from 4 submitters: Likely pathogenic (1); Uncertain significance (3). Last evaluated 2025-06-22.

Conditions:
HADHB-related disorders.
Mitochondrial trifunctional protein deficiency. Identifiers: Orphanet 746, MedGen C1969443, MONDO:0012172.

Allele frequency attached by ClinVar (database versions not stated): ExAC 0.00001; gnomAD exomes 0.00001 and 0.00002; gnomAD 0.00002; TOPMed 0.00002.

Submissions (4):

GeneDx
Classification: Uncertain significance. Last evaluated: 2025-06-22. Review status: criteria provided, single submitter. Criteria: GeneDx Variant Classification Process June 2021. Collection method: clinical testing. Allele origin: germline. Affected: yes.
Comment: Not observed at significant frequency in large population cohorts (gnomAD); In silico analysis supports that this missense variant has a deleterious effect on protein structure/function; This variant is associated with the following publications: (PMID: 12754706, 14694500)

Labcorp Genetics (formerly Invitae), Labcorp
Classification: Uncertain significance for Mitochondrial trifunctional protein deficiency. Last evaluated: 2024-01-02. Review status: criteria provided, single submitter. Criteria: Invitae Variant Classification Sherloc (09022015). Collection method: clinical testing. Allele origin: germline.
Comment: This sequence change replaces leucine, which is neutral and non-polar, with proline, which is neutral and non-polar, at codon 121 of the HADHB protein (p.Leu121Pro). This variant is present in population databases (rs773127211, gnomAD 0.002%). This missense change has been observed in individual(s) with mitochondrial trifunctional protein deficiency in whom no second allele was reported (PMID: 12754706, 14694500). This variant is also known as p.Leu88Pro. ClinVar contains an entry for this variant (Variation ID: 567723). Advanced modeling of protein sequence and biophysical properties (such as structural, functional, and spatial information, amino acid conservation, physicochemical variation, residue mobility, and thermodynamic stability) performed at Invitae indicates that this missense variant is expected to disrupt HADHB protein function with a positive predictive value of 80%. In summary, the available evidence is currently insufficient to determine the role of this variant in disease. Therefore, it has been classified as a Variant of Uncertain Significance.

Women's Health and Genetics/Laboratory Corporation of America, LabCorp
Classification: Uncertain significance. Last evaluated: 2023-08-23. Review status: criteria provided, single submitter. Criteria: LabCorp Variant Classification Summary - May 2015. Collection method: clinical testing. Allele origin: germline.
Comment: Variant summary: HADHB c.362T>C (p.Leu121Pro) results in a non-conservative amino acid change in the encoded protein sequence. Five of five in-silico tools predict a damaging effect of the variant on protein function. The variant allele was found at a frequency of 8e-06 in 251454 control chromosomes. The available data on variant occurrences in the general population are insufficient to allow any conclusion about variant significance. c.362T>C has been reported in the literature in at-least one individual affected with Mitochondrial Trifunctional Protein Deficiency 2, however no second disease-causing variant could be identified (examples, Spiekerkoetter_2003, 2004). These report(s) do not provide unequivocal conclusions about association of the variant with Mitochondrial Trifunctional Protein Deficiency 2. At least one publication reports experimental evidence evaluating an impact on protein function: decreased/demolished enzymatic activities of long-chain L-3-hydroxyacyl-CoA dehydrogenase and long-chain 3-ketoacyl-CoA thiolase and decreased HADHB protein levels were found in patients samples (Spiekerkoetter_2003), however, it does not allow convincing conclusions about the variant effect. The following publications have been ascertained in the context of this evaluation (PMID: 12754706, 14694500). One submitter has cited clinical-significance assessments for this variant to ClinVar after 2014 and has classified the variant as uncertain significance. Based on the evidence outlined above, the variant was classified as uncertain significance.

Blueprint Genetics
Classification: Likely pathogenic for HADHB-related disorders. Last evaluated: 2023-08-21. Review status: criteria provided, single submitter. Criteria: ACMG Guidelines, 2015. Collection method: clinical testing. Allele origin: germline. Affected: yes. Observed: 2 variant alleles.

Literature cited by the submitters: PubMed 12754706 (cited by Labcorp Genetics (formerly Invitae), Labcorp and Women's Health and Genetics/Laboratory Corporation of America, LabCorp); PubMed 14694500 (cited by Labcorp Genetics (formerly Invitae), Labcorp and Women's Health and Genetics/Laboratory Corporation of America, LabCorp).